The following is an entry in ClinVar:

ClinVar aggregate classification (germline): Uncertain significance. Review status: criteria provided, multiple submitters, no conflicts (2 of 4 stars). 2 submissions from 2 submitters: Uncertain significance (2). Last evaluated 2024-11-16.

Conditions:
Hereditary nonpolyposis colorectal neoplasms. Identifiers: MedGen C0009405, MeSH D003123.
Hereditary cancer-predisposing syndrome. Also called: Tumor predisposition; Hereditary neoplastic syndrome; Neoplastic Syndromes, Hereditary; Hereditary Cancer Syndrome. Identifiers: Orphanet 140162, MedGen C0027672, MeSH D009386, MONDO:0015356.

Submissions (2):

Labcorp Genetics (formerly Invitae), Labcorp
Classification: Uncertain significance for Hereditary nonpolyposis colorectal neoplasms. Last evaluated: 2024-11-16. Review status: criteria provided, single submitter. Criteria: Invitae Variant Classification Sherloc (09022015). Collection method: clinical testing. Allele origin: germline.
Comment: This sequence change replaces histidine, which is basic and polar, with proline, which is neutral and non-polar, at codon 845 of the PMS2 protein (p.His845Pro). The frequency data for this variant in the population databases (gnomAD) is considered unreliable due to the presence of homologous sequence, such as pseudogenes or paralogs, in the genome. This variant has not been reported in the literature in individuals affected with PMS2-related conditions. ClinVar contains an entry for this variant (Variation ID: 1009411). Invitae Evidence Modeling incorporating data from in vitro experimental studies (internal data) indicates that this missense variant is expected to disrupt PMS2 function with a positive predictive value of 95%. In summary, the available evidence is currently insufficient to determine the role of this variant in disease. Therefore, it has been classified as a Variant of Uncertain Significance.

Ambry Genetics
Classification: Uncertain significance for Hereditary cancer-predisposing syndrome. Last evaluated: 2022-12-09. Review status: criteria provided, single submitter. Criteria: Ambry Variant Classification Scheme 2023. Collection method: clinical testing. Allele origin: germline.
Comment: The p.H845P variant (also known as c.2534A>C), located in coding exon 15 of the PMS2 gene, results from an A to C substitution at nucleotide position 2534. The histidine at codon 845 is replaced by proline, an amino acid with similar properties. This amino acid position is highly conserved in available vertebrate species. In addition, this alteration is predicted to be deleterious by in silico analysis. Since supporting evidence is limited at this time, the clinical significance of this alteration remains unclear.

NM_000535.7(PMS2):c.2534A>C (p.His845Pro)

Gene: PMS2 (PMS1 homolog 2, mismatch repair system component; minus strand). Cytogenetic location: 7p22.1.
Variant type: single nucleotide variant.
Coding change: c.2534A>C on transcript NM_000535.7 (MANE Select); coding-DNA position 2534, A replaced by C.
Protein change: p.His845Pro; replaces histidine 845 with proline.
Molecular consequence: missense variant. On other transcripts: non-coding transcript variant (1).
Genome position (GRCh38, 1-based): chr7:5,973,454, T>G on the plus strand (A>C on the coding strand, the complement: PMS2 is on the minus strand). VCF-style: chr7-5973454-T-G. GRCh37 (hg19) VCF-style: chr7-6013085-T-G.
Other names: c.2129A>C, p.His710Pro (NM_001322003.2, NM_001322004.2, NM_001322005.2); c.2378A>C, p.His793Pro (NM_001322006.2); c.2216A>C, p.His739Pro (NM_001322007.2, NM_001322008.2); c.2162A>C, p.His721Pro (NM_001322009.2); c.1973A>C, p.His658Pro (NM_001322010.2); c.1601A>C, p.His534Pro (NM_001322011.2, NM_001322012.2); c.1961A>C, p.His654Pro (NM_001322013.2); c.2567A>C, p.His856Pro (NM_001322014.2); and 2 more; short protein forms H534P, H654P, H658P, H710P, H721P, H739P, H742P, H793P.
Identifiers: ClinVar variation 1009411 (VCV001009411.12), dbSNP rs1554292741, ClinGen allele CA366734847.